The following is an entry in ClinVar:

NM_004360.5(CDH1):c.1174G>A (p.Val392Ile)

Gene: CDH1 (cadherin 1; plus strand). Cytogenetic location: 16q22.1.
Variant type: single nucleotide variant.
Coding change: c.1174G>A on transcript NM_004360.5 (MANE Select); coding-DNA position 1174, G replaced by A.
Protein change: p.Val392Ile; replaces valine 392 with isoleucine.
Molecular consequence: missense variant. On other transcripts: 5 prime UTR variant (2), intron variant (1).
Genome position (GRCh38, 1-based): chr16:68,813,349, G>A. VCF-style: chr16-68813349-G-A. GRCh37 (hg19) VCF-style: chr16-68847252-G-A.
Other names: p.V392I:GTA>ATA; c.1174G>A (LRG_301t1); c.-442G>A (NM_001317185.2); c.-646G>A (NM_001317186.2); c.1137+1086G>A (NM_001317184.2); short protein forms V392I.
Identifiers: ClinVar variation 127907 (VCV000127907.31), dbSNP rs141864044, ClinGen allele CA288019.

ClinVar aggregate classification (germline): Likely benign. Review status: reviewed by expert panel (3 of 4 stars). 13 submissions from 13 submitters: Likely benign (1). 12 of the submissions do not count toward it. Last evaluated 2023-08-10.

Conditions:
CDH1-related disorder. Also called: CDH1-related condition.
Familial cancer of breast. Also called: hereditary breast carcinoma; Hereditary breast cancer; BREAST CANCER, FAMILIAL. Identifiers: Orphanet 227535, MedGen C0346153, MONDO:0016419, OMIM 114480. Disease mechanism: loss of function.
Ovarian cancer. Also called: OVARIAN CANCER, SOMATIC. Identifiers: Orphanet 213500, MedGen C1140680, MONDO:0008170, OMIM 167000.
CDH1-related diffuse gastric and lobular breast cancer syndrome. Also called: CDH1-related diffuse gastric and lobular breast cancer. Identifiers: MedGen CN311521, MONDO:0100488.
Hereditary cancer-predisposing syndrome. Also called: Neoplastic Syndromes, Hereditary; Tumor predisposition; Hereditary Cancer Syndrome; Hereditary neoplastic syndrome. Identifiers: Orphanet 140162, MedGen C0027672, MeSH D009386, MONDO:0015356.
Hereditary diffuse gastric adenocarcinoma (HDGC). Also called: DIFFUSE GASTRIC AND LOBULAR BREAST CANCER SYNDROME. Identifiers: Orphanet 26106, MedGen C1708349, MONDO:0007648, OMIM 137215.

Allele frequency attached by ClinVar (database versions not stated): TOPMed 0.00003; gnomAD 0.00004 and 0.00006; gnomAD exomes 0.00014; ExAC 0.00016; ESP Exome Variant Server 0.00023; 1000 Genomes Project 30x 0.00078; 1000 Genomes Project 0.00080.

Submissions (13):

Clingen Gastric Cancer Variant Curation Expert Panel
Classification: Likely benign for CDH1-related diffuse gastric and lobular breast cancer syndrome. Last evaluated: 2023-08-10. Review status: reviewed by expert panel. Criteria: ClinGen CDH1 ACMG Specifications V3.1. Collection method: curation. Allele origin: germline. Inheritance: Autosomal dominant inheritance.
Comment: The c.1174G>A variant has been observed in >10 individuals without a diagnosis of diffuse gastric cancer, signet ring tumor or lobular breast cancer and whose family histories do not suggest HDGC (BS2; internal laboratory contributors). This variant was observed in trans with a known pathogenic CDH1 variant (phase unknown) and observed in the homozygous state in gnomAD v2.0.2 (BP2; internal laboratory contributor and gnomAD). Therefore, the clinical significance of this variant is likely benign. ACMG/AMP criteria applied, as specified by the CDH1 Variant Curation Expert Panel (Variant Interpretation Guidelines Version 3.1): BS2, BP2.

PreventionGenetics, part of Exact Sciences
Classification: Likely benign for CDH1-related condition. Last evaluated: 2026-02-17. Review status: criteria provided, single submitter. Criteria: ACMG Guidelines, 2015. Collection method: clinical testing. Allele origin: germline. Not counted in ClinVar's aggregate classification.
Comment: This variant is classified as likely benign based on ACMG/AMP sequence variant interpretation guidelines (Richards et al. 2015 PMID: 25741868, with internal and published modifications).

Labcorp Genetics (formerly Invitae), Labcorp
Classification: Benign for Hereditary diffuse gastric adenocarcinoma. Last evaluated: 2026-01-13. Review status: criteria provided, single submitter. Criteria: Invitae Variant Classification Sherloc (09022015). Collection method: clinical testing. Allele origin: germline. Not counted in ClinVar's aggregate classification.

Quest Diagnostics Nichols Institute San Juan Capistrano
Classification: Likely benign. Last evaluated: 2025-07-01. Review status: criteria provided, single submitter. Criteria: Quest Diagnostics criteria. Collection method: clinical testing. Allele origin: unknown. Not counted in ClinVar's aggregate classification.

Color Diagnostics, LLC DBA Color Health
Classification: Benign for Hereditary cancer-predisposing syndrome. Last evaluated: 2024-09-25. Review status: criteria provided, single submitter. Criteria: ACMG Guidelines, 2015. Collection method: clinical testing. Allele origin: germline. Not counted in ClinVar's aggregate classification.

Blueprint Genetics
Classification: Likely benign. Last evaluated: 2024-01-18. Review status: criteria provided, single submitter. Criteria: ACMG Guidelines, 2015. Collection method: clinical testing. Allele origin: germline. Not counted in ClinVar's aggregate classification.

Women's Health and Genetics/Laboratory Corporation of America, LabCorp
Classification: Benign. Last evaluated: 2023-11-17. Review status: criteria provided, single submitter. Criteria: LabCorp Variant Classification Summary - May 2015. Collection method: clinical testing. Allele origin: germline. Not counted in ClinVar's aggregate classification.
Comment: Variant summary: CDH1 c.1174G>A (p.Val392Ile) results in a conservative amino acid change located in the Cadherin-like domain (IPR002126) of the encoded protein sequence. Five of five in-silico tools predict a benign effect of the variant on protein function. The variant allele was found at a frequency of 0.00014 in 251470 control chromosomes. The observed variant frequency is approximately 4.78 fold of the estimated maximal expected allele frequency for a pathogenic variant in CDH1 causing Hereditary Diffuse Gastric Cancer phenotype (2.8e-05), strongly suggesting that the variant is benign. Although observed in the literature, to our knowledge, no occurrence and/or penetrant association of c.1174G>A in individuals affected with Hereditary Diffuse Gastric Cancer/Lobular Breast Cancer and no experimental evidence demonstrating its impact on protein function have been reported. Nine submitters have cited clinical-significance assessments for this variant to ClinVar after 2014. All submitters classified the variant as benign/likely benign. Based on the evidence outlined above, the variant was classified as benign.

European Reference Network on Genetic Tumour Risk Syndromes (ERN-GENTURIS), i3s - Instituto de Investigação e Inovação em Saúde, University of Porto
Classification: Likely benign for Hereditary diffuse gastric adenocarcinoma. Last evaluated: 2022-08-01. Review status: criteria provided, single submitter. Criteria: Lee et al. (Hum Mutat. 2018). Collection method: clinical testing. Allele origin: germline. Inheritance: Autosomal dominant inheritance. Affected: no. Study: ERN GENTURIS. Not counted in ClinVar's aggregate classification.
Comment: BS2; BP2 (PMID: 30311375)

Department of Pathology and Laboratory Medicine, Sinai Health System
Classification: Likely benign for Familial cancer of breast; Ovarian cancer. Last evaluated: 2021-04-21. Review status: criteria provided, single submitter. Criteria: ACMG Guidelines, 2015. Collection method: clinical testing. Allele origin: germline. Affected: yes. Not counted in ClinVar's aggregate classification.

Sema4
Classification: Likely benign for Hereditary cancer-predisposing syndrome. Last evaluated: 2021-04-04. Review status: criteria provided, single submitter. Criteria: Sema4 Curation Guidelines. Collection method: curation. Allele origin: germline. Not counted in ClinVar's aggregate classification.

GeneDx
Classification: Likely benign. Last evaluated: 2021-03-15. Review status: criteria provided, single submitter. Criteria: GeneDx Variant Classification Process June 2021. Collection method: clinical testing. Allele origin: germline. Affected: yes. Not counted in ClinVar's aggregate classification.

Ambry Genetics
Classification: Likely benign for Hereditary cancer-predisposing syndrome. Last evaluated: 2018-12-06. Review status: criteria provided, single submitter. Criteria: Ambry Variant Classification Scheme 2023. Collection method: clinical testing. Allele origin: germline. Not counted in ClinVar's aggregate classification.

Institute for Biomarker Research, Medical Diagnostic Laboratories, L.L.C.
Classification: Benign for Hereditary cancer-predisposing syndrome. Last evaluated: 2021-09-27. Review status: no assertion criteria provided. Collection method: clinical testing. Allele origin: germline. Not counted in ClinVar's aggregate classification.

Literature cited by the submitters: PubMed 36436516 (cited by Quest Diagnostics Nichols Institute San Juan Capistrano and European Reference Network on Genetic Tumour Risk Syndromes (ERN-GENTURIS), i3s - Instituto de Investigação e Inovação em Saúde, University of Porto); PubMed 33471991 (cited by Quest Diagnostics Nichols Institute San Juan Capistrano).